The following is an entry in ClinVar:

ClinVar aggregate classification (germline): Benign (0 of 4 stars; one submission).

Conditions:
TBX10-related disorder. Also called: TBX10-related condition.

Allele frequency attached by ClinVar (database versions not stated): 1000 Genomes Project 30x 0.00016; 1000 Genomes Project 0.00020; gnomAD exomes 0.00023; TOPMed 0.00044.
gnomAD v4.1: 349 of 1,609,462 alleles (0.022%); highest among the groups gnomAD compares: Admixed American, 0.58%; 3 homozygotes.

Submission:

PreventionGenetics, part of Exact Sciences
Classification: Benign for TBX10-related condition. Last evaluated: 2020-01-03. Review status: no assertion criteria provided. Collection method: clinical testing. Allele origin: germline.
Comment: This variant is classified as benign based on ACMG/AMP sequence variant interpretation guidelines (Richards et al. 2015 PMID: 25741868, with internal and published modifications).

NM_005995.5(TBX10):c.1055A>C (p.Asn352Thr)

Gene: TBX10 (T-box transcription factor 10; minus strand). Cytogenetic location: 11q13.2.
Variant type: single nucleotide variant.
Coding change: c.1055A>C on transcript NM_005995.5 (MANE Select); coding-DNA position 1055, A replaced by C.
Protein change: p.Asn352Thr; replaces asparagine 352 with threonine.
Molecular consequence: missense variant.
Genome position (GRCh38, 1-based): chr11:67,631,708, T>G on the plus strand (A>C on the coding strand, the complement: TBX10 is on the minus strand). VCF-style: chr11-67631708-T-G. GRCh37 (hg19) VCF-style: chr11-67399179-T-G.
Other names: short protein forms N352T.
Identifiers: ClinVar variation 3049649 (VCV003049649.2), dbSNP rs199538876, ClinGen allele CA6143780.